The following is an entry in ClinVar:

ClinVar aggregate classification (germline): Uncertain significance. Review status: criteria provided, multiple submitters, no conflicts (2 of 4 stars). 2 submissions from 2 submitters: Uncertain significance (2). Last evaluated 2026-09-11.

Conditions:
Cardiovascular phenotype. Identifiers: MedGen CN230736.

Submissions (2):

Ambry Genetics
Classification: Uncertain significance for Cardiovascular phenotype. Last evaluated: 2026-09-11. Review status: criteria provided, single submitter. Criteria: Ambry Variant Classification Scheme 2023. Collection method: clinical testing. Allele origin: germline.
Comment: The p.D398N variant (also known as c.1192G>A), located in coding exon 9 of the ENG gene, results from a G to A substitution at nucleotide position 1192. The aspartic acid at codon 398 is replaced by asparagine, an amino acid with highly similar properties. This amino acid position is conserved. In addition, this alteration is predicted to be tolerated by in silico analysis. Based on the available evidence, the clinical significance of this variant remains unclear.

CeGaT Center for Human Genetics Tuebingen
Classification: Uncertain significance. Last evaluated: 2025-05-01. Review status: criteria provided, single submitter. Criteria: CeGaT Center For Human Genetics Tuebingen Variant Classification Criteria Version 2. Collection method: clinical testing. Allele origin: germline. Affected: yes. Observed: 1 variant allele.
Comment: ENG: PM2, BP4

NM_001114753.3(ENG):c.1192G>A (p.Asp398Asn)

Genes: ENG (endoglin; minus strand), LOC102723566 (uncharacterized LOC102723566; plus strand). Cytogenetic location: 9q34.11.
Variant type: single nucleotide variant.
Coding change: c.1192G>A on transcript NM_001114753.3 (MANE Select); coding-DNA position 1192, G replaced by A.
Protein change: p.Asp398Asn; replaces aspartic acid 398 with asparagine.
Molecular consequence: missense variant.
Genome position (GRCh38, 1-based): chr9:127,819,980, C>T on the plus strand (G>A on the coding strand, the complement: ENG is on the minus strand). VCF-style: chr9-127819980-C-T. GRCh37 (hg19) VCF-style: chr9-130582259-C-T.
Other names: c.1192G>A (NM_001114753.1); c.1192G>A, p.Asp398Asn (NM_000118.4); c.646G>A, p.Asp216Asn (NM_001278138.2); short protein forms D216N, D398N.
Identifiers: ClinVar variation 3905785 (VCV003905785.12).